The following is an entry in ClinVar:

NM_014844.5(TECPR2):c.3469C>T (p.Gln1157Ter)

Gene: TECPR2 (tectonin beta-propeller repeat containing 2; plus strand). Cytogenetic location: 14q32.31.
Variant type: single nucleotide variant.
Coding change: c.3469C>T on transcript NM_014844.5 (MANE Select); coding-DNA position 3469, C replaced by T.
Protein change: p.Gln1157Ter; replaces glutamine 1157 with a stop codon.
Molecular consequence: nonsense.
Genome position (GRCh38, 1-based): chr14:102,452,456, C>T. VCF-style: chr14-102452456-C-T. GRCh37 (hg19) VCF-style: chr14-102918793-C-T.
Other names: c.3469C>T, p.Gln1157Ter (NM_001172631.3); short protein forms Q1157*.
Identifiers: ClinVar variation 4815750 (VCV004815750.1).

ClinVar aggregate classification (germline): Likely pathogenic (1 of 4 stars; one submission).

Conditions:
Hereditary spastic paraplegia 49 (HSAN9). Also called: TECPR2-Related Hereditary Sensory and Autonomic Neuropathy with Intellectual Disability; Spastic paraplegia 49, autosomal recessive; NEUROPATHY, HEREDITARY SENSORY AND AUTONOMIC, TYPE IX, WITH DEVELOPMENTAL DELAY. Identifiers: Orphanet 320385, MedGen C5190860, MONDO:0014016, OMIM 615031.

gnomAD v4.1: 1 of 1,613,700 alleles (0.000062%); highest among the groups gnomAD compares: Non-Finnish European, 0.000085%; no homozygotes.

Submission:

Natera, Inc.
Classification: Likely pathogenic for Autosomal recessive spastic paraplegia type 49. Last evaluated: 2024-10-22. Review status: criteria provided, single submitter. Criteria: Natera Variant Classification Schema (03/2026). Collection method: clinical testing. Allele origin: germline.
Comment: The c.3469C>T variant in TECPR2 is a nonsense variant predicted to introduce a stop codon at amino acid 1157. This variant is expected to result in nonsense mediated decay, truncation, or a dysfunctional protein product. This variant is rare in the general population with a frequency below the threshold expected for the associated phenotype(s). Given the available evidence, this variant is classified as Likely Pathogenic.